The following is an entry in ClinVar:

NM_002878.4(RAD51D):c.488C>A (p.Ala163Asp)

Genes: RAD51D (RAD51 paralog D; minus strand), RAD51L3-RFFL (RAD51L3-RFFL readthrough; minus strand). Cytogenetic location: 17q12.
Variant type: single nucleotide variant.
Coding change: c.488C>A on transcript NM_002878.4 (MANE Select); coding-DNA position 488, C replaced by A.
Protein change: p.Ala163Asp; replaces alanine 163 with aspartic acid.
Molecular consequence: missense variant. On other transcripts: non-coding transcript variant (3).
Genome position (GRCh38, 1-based): chr17:35,106,474, G>T on the plus strand (C>A on the coding strand, the complement: RAD51D is on the minus strand). VCF-style: chr17-35106474-G-T. GRCh37 (hg19) VCF-style: chr17-33433493-G-T.
Other names: c.548C>A, p.Ala183Asp (NM_001142571.2); c.152C>A, p.Ala51Asp (NM_133629.3); short protein forms A163D, A51D, A183D.
Identifiers: ClinVar variation 187440 (VCV000187440.12), dbSNP rs775176916, ClinGen allele CA197655.

ClinVar aggregate classification (germline): Uncertain significance. Review status: criteria provided, multiple submitters, no conflicts (2 of 4 stars). 3 submissions from 3 submitters: Uncertain significance (3). Last evaluated 2026-03-06.

Conditions:
Hereditary cancer-predisposing syndrome. Also called: Tumor predisposition; Hereditary neoplastic syndrome; Neoplastic Syndromes, Hereditary; Hereditary Cancer Syndrome. Identifiers: Orphanet 140162, MedGen C0027672, MeSH D009386, MONDO:0015356.
Breast-ovarian cancer, familial, susceptibility to, 4. Identifiers: Orphanet 145, MedGen C3280345, MONDO:0013669, OMIM 614291.

Allele frequency attached by ClinVar (database versions not stated): gnomAD exomes below 0.00001 and 0.00002; ExAC 0.00003; TOPMed below 0.00001.
gnomAD v4.1: 7 of 1,612,016 alleles (0.00043%); highest among the groups gnomAD compares: South Asian, 0.0066%; no homozygotes.

Submissions (3):

Ambry Genetics
Classification: Uncertain significance for Hereditary cancer-predisposing syndrome. Last evaluated: 2026-03-06. Review status: criteria provided, single submitter. Criteria: Ambry Variant Classification Scheme 2023. Collection method: clinical testing. Allele origin: germline.

Labcorp Genetics (formerly Invitae), Labcorp
Classification: Uncertain significance for Breast-ovarian cancer, familial, susceptibility to, 4. Last evaluated: 2025-12-15. Review status: criteria provided, single submitter. Criteria: Invitae Variant Classification Sherloc (09022015). Collection method: clinical testing. Allele origin: germline.
Comment: This sequence change replaces alanine, which is neutral and non-polar, with aspartic acid, which is acidic and polar, at codon 163 of the RAD51D protein (p.Ala163Asp). This variant is present in population databases (rs775176916, gnomAD 0.01%). This variant has not been reported in the literature in individuals affected with RAD51D-related conditions. ClinVar contains an entry for this variant (Variation ID: 187440). An algorithm developed to predict the effect of missense changes on protein structure and function (PolyPhen-2) suggests that this variant is likely to be disruptive. In summary, the available evidence is currently insufficient to determine the role of this variant in disease. Therefore, it has been classified as a Variant of Uncertain Significance.

Neuberg Centre For Genomic Medicine, NCGM
Classification: Uncertain significance for Breast-ovarian cancer, familial, susceptibility to, 4. Last evaluated: 2023-06-22. Review status: criteria provided, single submitter. Criteria: ACMG Guidelines, 2015. Collection method: clinical testing. Allele origin: germline. Inheritance: Autosomal dominant inheritance. Affected: yes.
Comment: The missense variant c.488C>A (p.Ala163Asp) in the RAD51D gene has not been reported previously as a pathogenic variant nor as a benign variant, to our knowledge. This variant is reported with the allele frequency (0.001%) in the gnomAD Exomes. This variant has been reported to the ClinVar database as Uncertain Significance. However, no details are available for independent assessment. The amino acid Ala at position 163 is changed to a Asp changing protein sequence and it might alter its composition and physico-chemical properties. Multiple lines of computational evidence (Polyphen - Damaging, SIFT - Damaging and MutationTaster - Disease causing) predict a damaging effect on protein structure and function for this variant. The amino acid change p.Ala163Asp in RAD51D is predicted as conserved by GERP++ and PhyloP across 100 vertebrates. For these reasons, this variant has been classified as Uncertain Significance.